The following is an entry in ClinVar:

ClinVar aggregate classification (germline): Uncertain significance (1 of 4 stars; one submission).

Conditions:
Norman-Roberts syndrome (LIS2). Also called: Lissencephaly 2 (Norman-Roberts type). Identifiers: Orphanet 89844, MedGen C0796089, MONDO:0009760, OMIM 257320.
Familial temporal lobe epilepsy 7. Identifiers: Orphanet 101046, MedGen C4225327, MONDO:0014639, OMIM 616436.

gnomAD v4.1: 4 of 1,612,410 alleles (0.00025%); highest among the groups gnomAD compares: Admixed American, 0.005%; no homozygotes.

Submission:

Labcorp Genetics (formerly Invitae), Labcorp
Classification: Uncertain significance for Familial temporal lobe epilepsy 7; Norman-Roberts syndrome. Last evaluated: 2025-01-27. Review status: criteria provided, single submitter. Criteria: Invitae Variant Classification Sherloc (09022015). Collection method: clinical testing. Allele origin: germline.
Comment: This sequence change replaces asparagine, which is neutral and polar, with lysine, which is basic and polar, at codon 641 of the RELN protein (p.Asn641Lys). This variant is present in population databases (rs753289916, gnomAD 0.006%). This variant has not been reported in the literature in individuals affected with RELN-related conditions. ClinVar contains an entry for this variant (Variation ID: 2926378). Invitae Evidence Modeling of protein sequence and biophysical properties (such as structural, functional, and spatial information, amino acid conservation, physicochemical variation, residue mobility, and thermodynamic stability) indicates that this missense variant is not expected to disrupt RELN protein function with a negative predictive value of 80%. In summary, the available evidence is currently insufficient to determine the role of this variant in disease. Therefore, it has been classified as a Variant of Uncertain Significance.

NM_005045.4(RELN):c.1923C>G (p.Asn641Lys)

Gene: RELN (reelin; minus strand). Cytogenetic location: 7q22.1.
Variant type: single nucleotide variant.
Coding change: c.1923C>G on transcript NM_005045.4 (MANE Select); coding-DNA position 1923, C replaced by G.
Protein change: p.Asn641Lys; replaces asparagine 641 with lysine.
Molecular consequence: missense variant.
Genome position (GRCh38, 1-based): chr7:103,650,353, G>C on the plus strand (C>G on the coding strand, the complement: RELN is on the minus strand). VCF-style: chr7-103650353-G-C. GRCh37 (hg19) VCF-style: chr7-103290800-G-C.
Other names: c.1923C>G, p.Asn641Lys (NM_173054.3); short protein forms N641K.
Identifiers: ClinVar variation 2926378 (VCV002926378.3), dbSNP rs753289916, ClinGen allele CA4422132.